The following is an entry in ClinVar:

ClinVar aggregate classification (germline): Uncertain significance. Review status: criteria provided, multiple submitters, no conflicts (2 of 4 stars). 2 submissions from 2 submitters: Uncertain significance (2). Last evaluated 2026-02-13.

Conditions:
Hereditary nonpolyposis colorectal neoplasms. Identifiers: MedGen C0009405, MeSH D003123.
Hereditary cancer-predisposing syndrome. Also called: Tumor predisposition; Hereditary neoplastic syndrome; Hereditary Cancer Syndrome; Neoplastic Syndromes, Hereditary. Identifiers: Orphanet 140162, MedGen C0027672, MeSH D009386, MONDO:0015356.

Submissions (2):

Ambry Genetics
Classification: Uncertain significance for Hereditary cancer-predisposing syndrome. Last evaluated: 2026-02-13. Review status: criteria provided, single submitter. Criteria: Ambry Variant Classification Scheme 2023. Collection method: clinical testing. Allele origin: germline.
Comment: The p.S248R variant (also known as c.744T>A), located in coding exon 7 of the PMS2 gene, results from a T to A substitution at nucleotide position 744. The serine at codon 248 is replaced by arginine, an amino acid with dissimilar properties. This amino acid position is well conserved in available vertebrate species. In addition, the in silico prediction for this alteration is inconclusive. Based on the available evidence, the clinical significance of this variant remains unclear.

Labcorp Genetics (formerly Invitae), Labcorp
Classification: Uncertain significance for Hereditary nonpolyposis colorectal neoplasms. Last evaluated: 2021-07-16. Review status: criteria provided, single submitter. Criteria: Invitae Variant Classification Sherloc (09022015). Collection method: clinical testing. Allele origin: germline.
Comment: In summary, the available evidence is currently insufficient to determine the role of this variant in disease. Therefore, it has been classified as a Variant of Uncertain Significance. Algorithms developed to predict the effect of missense changes on protein structure and function are either unavailable or do not agree on the potential impact of this missense change (SIFT: "Deleterious"; PolyPhen-2: "Possibly Damaging"; Align-GVGD: "Class C0"). This variant has not been reported in the literature in individuals with PMS2-related conditions. This variant is not present in population databases (ExAC no frequency). This sequence change replaces serine with arginine at codon 248 of the PMS2 protein (p.Ser248Arg). The serine residue is moderately conserved and there is a moderate physicochemical difference between serine and arginine.

NM_000535.7(PMS2):c.744T>A (p.Ser248Arg)

Gene: PMS2 (PMS1 homolog 2, mismatch repair system component; minus strand). Cytogenetic location: 7p22.1.
Variant type: single nucleotide variant.
Coding change: c.744T>A on transcript NM_000535.7 (MANE Select); coding-DNA position 744, T replaced by A.
Protein change: p.Ser248Arg; replaces serine 248 with arginine.
Molecular consequence: missense variant. On other transcripts: 5 prime UTR variant (2), non-coding transcript variant (1).
Genome position (GRCh38, 1-based): chr7:5,997,385, A>T on the plus strand (T>A on the coding strand, the complement: PMS2 is on the minus strand). VCF-style: chr7-5997385-A-T. GRCh37 (hg19) VCF-style: chr7-6037016-A-T.
Other names: c.339T>A, p.Ser113Arg (NM_001322003.2, NM_001322004.2, NM_001322005.2 and 2 more transcripts); c.744T>A, p.Ser248Arg (NM_001322006.2, NM_001322014.2); c.426T>A, p.Ser142Arg (NM_001322007.2, NM_001322008.2); c.-190T>A (NM_001322011.2, NM_001322012.2); c.171T>A, p.Ser57Arg (NM_001322013.2); c.435T>A, p.Ser145Arg (NM_001322015.2); short protein forms S145R, S57R, S113R, S142R, S248R.
Identifiers: ClinVar variation 944969 (VCV000944969.10), dbSNP rs1554301489, ClinGen allele CA366743724.
Genomic context (GRCh38, chr7:5,997,385, plus strand): 5'-CTAAAAAAGATTATGCAGAGCATCGGAACAGCTCAAACCGTACTCTTCACACACGGAGTC[A>T]CTAGGGGGCAGCTGAACAAAAGGAATGAGGCTTTGCAACTGAAAAAAAAAAAAAAAAATT-3'
Protein context (NP_000526.2, residues 238-258): SLIPFVQLPP[Ser248Arg]DSVCEEYGLS